The following is an entry in ClinVar:

ClinVar aggregate classification (germline): Uncertain significance. Review status: criteria provided, multiple submitters, no conflicts (2 of 4 stars). 2 submissions from 2 submitters: Uncertain significance (2). Last evaluated 2024-12-17.

Conditions:
Inborn genetic diseases. Identifiers: MedGen C0950123, MeSH D030342.
Short-rib thoracic dysplasia 6 with or without polydactyly (SRTD6). Also called: SHORT RIB-POLYDACTYLY SYNDROME, TYPE IIA; Majewski Syndrome; SHORT-RIB THORACIC DYSPLASIA 6 WITH POLYDACTYLY; SHORT-RIB THORACIC DYSPLASIA 6 WITHOUT POLYDACTYLY; POLYDACTYLY WITH NEONATAL CHONDRODYSTROPHY, TYPE II. Identifiers: MedGen C0024507, MONDO:0009894, OMIM 263520.

gnomAD v4.1: 4 of 1,557,288 alleles (0.00026%); highest among the groups gnomAD compares: Admixed American, 0.0059%; no homozygotes.

Submissions (2):

Ambry Genetics
Classification: Uncertain significance for Inborn genetic diseases. Last evaluated: 2024-12-17. Review status: criteria provided, single submitter. Criteria: Ambry Variant Classification Scheme 2023. Collection method: clinical testing. Allele origin: germline.

Labcorp Genetics (formerly Invitae), Labcorp
Classification: Uncertain significance for Short-rib thoracic dysplasia 6 with or without polydactyly. Last evaluated: 2024-05-13. Review status: criteria provided, single submitter. Criteria: Invitae Variant Classification Sherloc (09022015). Collection method: clinical testing. Allele origin: germline.
Comment: This sequence change replaces lysine, which is basic and polar, with threonine, which is neutral and polar, at codon 844 of the NEK1 protein (p.Lys844Thr). This variant is present in population databases (rs761870810, gnomAD 0.01%). This variant has not been reported in the literature in individuals affected with NEK1-related conditions. Advanced modeling of protein sequence and biophysical properties (such as structural, functional, and spatial information, amino acid conservation, physicochemical variation, residue mobility, and thermodynamic stability) performed at Invitae indicates that this missense variant is not expected to disrupt NEK1 protein function with a negative predictive value of 80%. In summary, the available evidence is currently insufficient to determine the role of this variant in disease. Therefore, it has been classified as a Variant of Uncertain Significance.

NM_001199397.3(NEK1):c.2615A>C (p.Lys872Thr)

Gene: NEK1 (NIMA related kinase 1; minus strand). Cytogenetic location: 4q33.
Variant type: single nucleotide variant.
Coding change: c.2615A>C on transcript NM_001199397.3 (MANE Select); coding-DNA position 2615, A replaced by C.
Protein change: p.Lys872Thr; replaces lysine 872 with threonine.
Molecular consequence: missense variant. On other transcripts: non-coding transcript variant (1), intron variant (1).
Genome position (GRCh38, 1-based): chr4:169,438,232, T>G on the plus strand (A>C on the coding strand, the complement: NEK1 is on the minus strand). VCF-style: chr4-169438232-T-G. GRCh37 (hg19) VCF-style: chr4-170359383-T-G.
Other names: c.2531A>C (NM_012224.2); c.2483A>C, p.Lys828Thr (NM_001199398.3); c.2324A>C, p.Lys775Thr (NM_001199399.3); c.2399A>C, p.Lys800Thr (NM_001199400.3); c.2615A>C, p.Lys872Thr (NM_001374418.1); c.2531A>C, p.Lys844Thr (NM_001374419.1, NM_012224.4); c.2480A>C, p.Lys827Thr (NM_001374420.1); c.2282-4567A>C (NM_001374421.1); short protein forms K775T, K800T, K827T, K828T, K844T, K872T.
Identifiers: ClinVar variation 3617482 (VCV003617482.3).